The following is an entry in ClinVar:

NM_144773.4(PROKR2):c.202G>A (p.Gly68Ser)

Gene: PROKR2 (prokineticin receptor 2; minus strand). Cytogenetic location: 20p12.3.
Variant type: single nucleotide variant.
Coding change: c.202G>A on transcript NM_144773.4 (MANE Select); coding-DNA position 202, G replaced by A.
Protein change: p.Gly68Ser; replaces glycine 68 with serine.
Molecular consequence: missense variant.
Genome position (GRCh38, 1-based): chr20:5,314,168, C>T on the plus strand (G>A on the coding strand, the complement: PROKR2 is on the minus strand). VCF-style: chr20-5314168-C-T. GRCh37 (hg19) VCF-style: chr20-5294814-C-T.
Other names: short protein forms G68S.
Identifiers: ClinVar variation 1979186 (VCV001979186.4), dbSNP rs750150306, ClinGen allele CA9754411.

ClinVar aggregate classification (germline): Uncertain significance (1 of 4 stars; one submission).

Allele frequency attached by ClinVar (database versions not stated): ExAC 0.00002; gnomAD 0.00002.
gnomAD v4.1: 34 of 1,614,056 alleles (0.0021%); highest among the groups gnomAD compares: Non-Finnish European, 0.0025%; no homozygotes.

Submission:

Labcorp Genetics (formerly Invitae), Labcorp
Classification: Uncertain significance. Last evaluated: 2026-01-06. Review status: criteria provided, single submitter. Criteria: Invitae Variant Classification Sherloc (09022015). Collection method: clinical testing. Allele origin: germline.
Comment: This sequence change replaces glycine, which is neutral and non-polar, with serine, which is neutral and polar, at codon 68 of the PROKR2 protein (p.Gly68Ser). This variant is present in population databases (rs750150306, gnomAD 0.003%). This variant has not been reported in the literature in individuals affected with PROKR2-related conditions. ClinVar contains an entry for this variant (Variation ID: 1979186). Invitae Evidence Modeling of protein sequence and biophysical properties (such as structural, functional, and spatial information, amino acid conservation, physicochemical variation, residue mobility, and thermodynamic stability) indicates that this missense variant is expected to disrupt PROKR2 protein function with a positive predictive value of 80%. In summary, the available evidence is currently insufficient to determine the role of this variant in disease. Therefore, it has been classified as a Variant of Uncertain Significance.